The following is an entry in ClinVar:

ClinVar aggregate classification (germline): Uncertain significance. Review status: criteria provided, multiple submitters, no conflicts (2 of 4 stars). 2 submissions from 2 submitters: Uncertain significance (2). Last evaluated 2025-07-25.

Conditions:
Hereditary cancer-predisposing syndrome. Also called: Hereditary neoplastic syndrome; Neoplastic Syndromes, Hereditary; Tumor predisposition; Hereditary Cancer Syndrome. Identifiers: Orphanet 140162, MedGen C0027672, MeSH D009386, MONDO:0015356.
Familial adenomatous polyposis 1 (FAP1). Also called: POLYPOSIS, ADENOMATOUS INTESTINAL; FAMILIAL ADENOMATOUS POLYPOSIS 1, ATTENUATED. Identifiers: MedGen C2713442, MONDO:0021056, OMIM 175100. Disease mechanism: loss of function.

Submissions (2):

Ambry Genetics
Classification: Uncertain significance for Hereditary cancer-predisposing syndrome. Last evaluated: 2025-07-25. Review status: criteria provided, single submitter. Criteria: Ambry Variant Classification Scheme 2023. Collection method: clinical testing. Allele origin: germline.
Comment: The p.A1358S variant (also known as c.4072G>T), located in coding exon 15 of the APC gene, results from a G to T substitution at nucleotide position 4072. The alanine at codon 1358 is replaced by serine, an amino acid with similar properties. This amino acid position is highly conserved in available vertebrate species. In addition, in silico predictors for this gene do not accurately predict pathogenicity. Missense alterations in APC are not a common cause of disease (Spier I et al. Genet Med. 2024 Feb;26(2):100992). Based on the available evidence, the clinical significance of this variant remains unclear.

Labcorp Genetics (formerly Invitae), Labcorp
Classification: Uncertain significance for Familial adenomatous polyposis 1. Last evaluated: 2019-11-18. Review status: criteria provided, single submitter. Criteria: Invitae Variant Classification Sherloc (09022015). Collection method: clinical testing. Allele origin: germline.
Comment: In summary, the available evidence is currently insufficient to determine the role of this variant in disease. Therefore, it has been classified as a Variant of Uncertain Significance. Algorithms developed to predict the effect of missense changes on protein structure and function are either unavailable or do not agree on the potential impact of this missense change (SIFT: "Tolerated"; PolyPhen-2: "Probably Damaging"; Align-GVGD: "Class C25"). This variant has not been reported in the literature in individuals with APC-related conditions. This variant is not present in population databases (ExAC no frequency). This sequence change replaces alanine with serine at codon 1358 of the APC protein (p.Ala1358Ser). The alanine residue is highly conserved and there is a moderate physicochemical difference between alanine and serine.

NM_000038.6(APC):c.4072G>T (p.Ala1358Ser)

Gene: APC (APC regulator of Wnt signaling pathway; plus strand). Cytogenetic location: 5q22.2.
Variant type: single nucleotide variant.
Coding change: c.4072G>T on transcript NM_000038.6 (MANE Select); coding-DNA position 4072, G replaced by T.
Protein change: p.Ala1358Ser; replaces alanine 1358 with serine.
Molecular consequence: missense variant.
Genome position (GRCh38, 1-based): chr5:112,839,666, G>T. VCF-style: chr5-112839666-G-T. GRCh37 (hg19) VCF-style: chr5-112175363-G-T.
Other names: c.4072G>T, p.Ala1358Ser (NM_001127510.3, NM_001354895.2); c.4018G>T, p.Ala1340Ser (NM_001127511.3); c.4126G>T, p.Ala1376Ser (NM_001354896.2); c.4102G>T, p.Ala1368Ser (NM_001354897.2); c.3997G>T, p.Ala1333Ser (NM_001354898.2); c.3988G>T, p.Ala1330Ser (NM_001354899.2); c.3949G>T, p.Ala1317Ser (NM_001354900.2); c.3895G>T, p.Ala1299Ser (NM_001354901.2); and 5 more; short protein forms A1075S, A1232S, A1299S, A1198S, A1257S, A1340S, A1267S, A1333S.
Identifiers: ClinVar variation 834605 (VCV000834605.14), dbSNP rs139618756, ClinGen allele CA16030253.
Genomic context (GRCh38, chr5:112,839,666, plus strand): 5'-CAGGGTTCTAGTTTATCTTCAGAATCAGCCAGGCACAAAGCTGTTGAATTTTCTTCAGGA[G>T]CGAAATCTCCCTCCAAAAGTGGTGCTCAGACACCCAAAAGTCCACCTGAACACTATGTTC-3'
Protein context (NP_000029.2, residues 1348-1368): RHKAVEFSSG[Ala1358Ser]KSPSKSGAQT